The following is an entry in ClinVar:

NM_007294.4(BRCA1):c.2706A>G (p.Glu902=)

Gene: BRCA1 (BRCA1 DNA repair associated; minus strand). Cytogenetic location: 17q21.31.
Variant type: single nucleotide variant.
Coding change: c.2706A>G on transcript NM_007294.4 (MANE Select); coding-DNA position 2706, A replaced by G.
Protein change: p.Glu902=; no amino-acid change (glutamic acid 902 retained).
Molecular consequence: synonymous variant. On other transcripts: intron variant (137).
Genome position (GRCh38, 1-based): chr17:43,092,825, T>C on the plus strand (A>G on the coding strand, the complement: BRCA1 is on the minus strand). VCF-style: chr17-43092825-T-C. GRCh37 (hg19) VCF-style: chr17-41244842-T-C.
Other names: c.2493A>G, p.Glu831= (NM_001407571.1, NM_001407853.1, NM_001407894.1 and 9 more transcripts); c.2706A>G, p.Glu902= (NM_001407581.1, NM_001407582.1, NM_001407583.1 and 30 more transcripts); c.2703A>G, p.Glu901= (NM_001407587.1, NM_001407590.1, NM_001407591.1 and 22 more transcripts); c.2580A>G, p.Glu860= (NM_001407670.1, NM_001407671.1, NM_001407672.1 and 11 more transcripts); c.2583A>G, p.Glu861= (NM_001407674.1, NM_001407675.1, NM_001407676.1 and 19 more transcripts); c.2565A>G, p.Glu855= (NM_001407692.1, NM_001407694.1, NM_001407695.1 and 29 more transcripts); c.2697A>G, p.Glu899= (NM_001407646.1, NM_001407647.1); c.2628A>G, p.Glu876= (NM_001407653.1, NM_001407654.1, NM_001407655.1 and 4 more transcripts); and 41 more.
Identifiers: ClinVar variation 184424 (VCV000184424.20), dbSNP rs398122665, ClinGen allele CA001782.

ClinVar aggregate classification (germline): Likely benign. Review status: reviewed by expert panel (3 of 4 stars). 4 submissions from 4 submitters: Likely benign (1). 3 of the submissions do not count toward it. Last evaluated 2017-06-29.

Conditions:
Hereditary cancer-predisposing syndrome. Also called: Hereditary Cancer Syndrome; Hereditary neoplastic syndrome; Tumor predisposition; Neoplastic Syndromes, Hereditary. Identifiers: Orphanet 140162, MedGen C0027672, MeSH D009386, MONDO:0015356.
Hereditary breast ovarian cancer syndrome. Also called: Hereditary breast and ovarian cancer syndrome; Hereditary breast and ovarian cancer syndrome (HBOC); BRCA1- and BRCA2-Associated Hereditary Breast and Ovarian Cancer; Breast and ovarian cancer; Hereditary breast and ovarian cancer; Hereditary breast and/or ovarian cancer syndrome. Identifiers: Orphanet 145, MedGen C0677776, MeSH D061325, MONDO:0003582. Disease mechanism: loss of function.
Breast-ovarian cancer, familial, susceptibility to, 1 (BROVCA1). Also called: OVARIAN CANCER, SUSCEPTIBILITY TO; BRCA1 Hereditary Breast and Ovarian Cancer. Identifiers: Orphanet 145, MedGen C2676676, MONDO:0011450, OMIM 604370. Disease mechanism: loss of function.

Allele frequency attached by ClinVar (database versions not stated): TOPMed below 0.00001.
gnomAD v4.1: 1 of 1,614,024 alleles (0.000062%); highest among the groups gnomAD compares: Non-Finnish European, 0.000085%; no homozygotes.

Submissions (4):

Evidence-based Network for the Interpretation of Germline Mutant Alleles (ENIGMA)
Classification: Likely benign for Breast-ovarian cancer, familial, susceptibility to, 1. Last evaluated: 2017-06-29. Review status: reviewed by expert panel. Criteria: ENIGMA BRCA1/2 Classification Criteria (2017-06-29). Collection method: curation. Allele origin: germline.
Comment: Synonymous substitution variant, with low bioinformatic likelihood to result in a splicing aberration (Splicing prior probability 0.02).

Labcorp Genetics (formerly Invitae), Labcorp
Classification: Likely benign for Hereditary breast ovarian cancer syndrome. Last evaluated: 2025-08-07. Review status: criteria provided, single submitter. Criteria: Invitae Variant Classification Sherloc (09022015). Collection method: clinical testing. Allele origin: germline. Not counted in ClinVar's aggregate classification.

Ambry Genetics
Classification: Likely benign for Hereditary cancer-predisposing syndrome. Last evaluated: 2018-02-22. Review status: criteria provided, single submitter. Criteria: Ambry Variant Classification Scheme 2023. Collection method: clinical testing. Allele origin: germline. Not counted in ClinVar's aggregate classification.

Counsyl
Classification: Likely benign for Breast-ovarian cancer, familial, susceptibility to, 1. Last evaluated: 2018-03-23. Review status: no assertion criteria provided. Collection method: clinical testing. Allele origin: unknown. Not counted in ClinVar's aggregate classification.